The following is an entry in ClinVar:

NM_005751.5(AKAP9):c.10796T>C (p.Ile3599Thr)

Gene: AKAP9 (A-kinase anchoring protein 9; plus strand). Cytogenetic location: 7q21.2.
Variant type: single nucleotide variant.
Coding change: c.10796T>C on transcript NM_005751.5 (MANE Select); coding-DNA position 10796, T replaced by C.
Protein change: p.Ile3599Thr; replaces isoleucine 3599 with threonine.
Molecular consequence: missense variant.
Genome position (GRCh38, 1-based): chr7:92,099,769, T>C. VCF-style: chr7-92099769-T-C. GRCh37 (hg19) VCF-style: chr7-91729083-T-C.
Other names: c.5441T>C, p.Ile1814Thr (NM_001379277.1); c.10772T>C, p.Ile3591Thr (NM_147185.3); short protein forms I3599T, I1814T, I3591T.
Identifiers: ClinVar variation 1372868 (VCV001372868.8), dbSNP rs1817215778, ClinGen allele CA368158660.

ClinVar aggregate classification (germline): Uncertain significance (1 of 4 stars; one submission).

Conditions:
Long QT syndrome (LQTS). Identifiers: MedGen C0023976, MeSH D008133, MONDO:0002442. Disease mechanism: loss of function. Inheritance: Various modes of inheritance.

Allele frequency attached by ClinVar (database versions not stated): TOPMed below 0.00001.

Submission:

Labcorp Genetics (formerly Invitae), Labcorp
Classification: Uncertain significance for Long QT syndrome. Last evaluated: 2021-02-15. Review status: criteria provided, single submitter. Criteria: Invitae Variant Classification Sherloc (09022015). Collection method: clinical testing. Allele origin: germline.
Comment: In summary, the available evidence is currently insufficient to determine the role of this variant in disease. Therefore, it has been classified as a Variant of Uncertain Significance. Algorithms developed to predict the effect of missense changes on protein structure and function (SIFT, PolyPhen-2, Align-GVGD) all suggest that this variant is likely to be disruptive, but these predictions have not been confirmed by published functional studies and their clinical significance is uncertain. This variant has not been reported in the literature in individuals with AKAP9-related conditions. This variant is not present in population databases (ExAC no frequency). This sequence change replaces isoleucine with threonine at codon 3599 of the AKAP9 protein (p.Ile3599Thr). The isoleucine residue is moderately conserved and there is a moderate physicochemical difference between isoleucine and threonine.